The following is an entry in ClinVar:

NM_182746.3(MCM4):c.25A>C (p.Ser9Arg)

Genes: MCM4 (minichromosome maintenance complex component 4; plus strand), LOC130000338 (ATAC-STARR-seq lymphoblastoid silent region 19178; plus strand). Cytogenetic location: 8q11.21.
Variant type: single nucleotide variant.
Coding change: c.25A>C on transcript NM_182746.3 (MANE Select); coding-DNA position 25, A replaced by C.
Protein change: p.Ser9Arg; replaces serine 9 with arginine.
Molecular consequence: missense variant.
Genome position (GRCh38, 1-based): chr8:47,961,169, A>C. VCF-style: chr8-47961169-A-C. GRCh37 (hg19) VCF-style: chr8-48873729-A-C.
Other names: c.25A>C, p.Ser9Arg (NM_005914.4); c.25A>C (NM_005914.3); short protein forms S9R.
Identifiers: ClinVar variation 1902837 (VCV001902837.6), dbSNP rs754705495, ClinGen allele CA371143345.

ClinVar aggregate classification (germline): Uncertain significance. Review status: criteria provided, multiple submitters, no conflicts (2 of 4 stars). 2 submissions from 2 submitters: Uncertain significance (2). Last evaluated 2024-10-04.

gnomAD v4.1: 2 of 1,551,334 alleles (0.00013%); highest among the groups gnomAD compares: Non-Finnish European, 0.000086%; no homozygotes.

Submissions (2):

Ambry Genetics
Classification: Uncertain significance. Last evaluated: 2024-10-04. Review status: criteria provided, single submitter. Criteria: Ambry Variant Classification Scheme 2023. Collection method: clinical testing. Allele origin: germline.

Labcorp Genetics (formerly Invitae), Labcorp
Classification: Uncertain significance. Last evaluated: 2022-08-06. Review status: criteria provided, single submitter. Criteria: Invitae Variant Classification Sherloc (09022015). Collection method: clinical testing. Allele origin: germline.
Comment: In summary, the available evidence is currently insufficient to determine the role of this variant in disease. Therefore, it has been classified as a Variant of Uncertain Significance. Experimental studies and prediction algorithms are not available or were not evaluated, and the functional significance of this variant is currently unknown. This variant has not been reported in the literature in individuals affected with MCM4-related conditions. This variant is not present in population databases (gnomAD no frequency). This sequence change replaces serine, which is neutral and polar, with arginine, which is basic and polar, at codon 9 of the MCM4 protein (p.Ser9Arg).